The following is an entry in ClinVar:

ClinVar aggregate classification (germline): Likely pathogenic. Review status: criteria provided, multiple submitters, no conflicts (2 of 4 stars). 2 submissions from 2 submitters: Likely pathogenic (2). Last evaluated 2024-06-12.

Conditions:
Congenital afibrinogenemia. Identifiers: Orphanet 335, Orphanet 98880, MedGen C2584774, MONDO:0008737, OMIM 202400.
Familial dysfibrinogenemia. Also called: Dysfibrinogenemia, congenital. Identifiers: Orphanet 335, Orphanet 98881, MedGen C0272350, MONDO:0014452, OMIM 616004.
Familial visceral amyloidosis, Ostertag type (AMYLD2). Also called: Ostertag type amyloidosis; Amyloidosis, hepatic and systemic; Hereditary Renal Amyloidosis; Familial visceral amyloidosis; AMYLOIDOSIS VIII; AMYLOIDOSIS, HEREDITARY SYSTEMIC 2. Identifiers: Orphanet 85450, MedGen C0268389, MONDO:0007099, OMIM 105200.

Submissions (2):

Mayo Clinic Laboratories, Mayo Clinic
Classification: Likely pathogenic. Last evaluated: 2024-06-12. Review status: criteria provided, single submitter. Criteria: ACMG Guidelines, 2015. Collection method: clinical testing. Allele origin: germline. Observed: 1 variant allele.
Comment: PM2, PVS1_strong

Fulgent Genetics
Classification: Likely pathogenic for Familial visceral amyloidosis, Ostertag type; Congenital afibrinogenemia; Familial dysfibrinogenemia. Last evaluated: 2024-05-14. Review status: criteria provided, single submitter. Criteria: ACMG Guidelines, 2015. Collection method: clinical testing. Allele origin: germline.

NM_021871.4(FGA):c.1736dup (p.Tyr579Ter)

Gene: FGA (fibrinogen alpha chain; minus strand). Cytogenetic location: 4q31.3.
Variant type: Duplication.
Coding change: c.1736dup on transcript NM_021871.4 (MANE Select); coding-DNA position 1736, one base duplicated (A; older notation c.1736dupA).
Protein change: p.Tyr579Ter; replaces tyrosine 579 with a stop codon.
Molecular consequence: nonsense.
Genome position (GRCh38, 1-based): chr4:154,585,693, T duplicated on the plus strand (A on the coding strand, the reverse complement: FGA is on the minus strand). VCF-style (leftmost placement, unchanged base first): chr4-154585692-G-GT. GRCh37 (hg19) VCF-style: chr4-155506844-G-GT.
Other names: p.Tyr579*; c.1736dup, p.Tyr579Ter (NM_000508.5); short protein forms Y579*.
Identifiers: ClinVar variation 3380987 (VCV003380987.2).
Genomic context (GRCh38, chr4:154,585,692, plus strand): 5'-CTTGCTTTCAAATGTGGAGTCTCCTCTGTTGTAACTCGTGCTACTAGTAAATTGTTTGCT[G>GT]TAACTTGAAGATTTACCACGGGAAGGGAATTCAGCTATCCCAGGGTGATGAGAACTGGAT-3'